The following is an entry in ClinVar:

ClinVar aggregate classification (germline): Pathogenic (1 of 4 stars; one submission).

Conditions:
Cone-rod dystrophy 13 (CORD13). Identifiers: Orphanet 1872, MedGen C2750720, MONDO:0011987, OMIM 608194.
Leber congenital amaurosis 6 (LCA6). Identifiers: Orphanet 65, MedGen C1854260, MONDO:0013446, OMIM 613826.

Submission:

Labcorp Genetics (formerly Invitae), Labcorp
Classification: Pathogenic for Leber congenital amaurosis 6; Cone-rod dystrophy 13. Last evaluated: 2022-12-26. Review status: criteria provided, single submitter. Criteria: Invitae Variant Classification Sherloc (09022015). Collection method: clinical testing. Allele origin: germline.
Comment: For these reasons, this variant has been classified as Pathogenic. This variant has not been reported in the literature in individuals affected with RPGRIP1-related conditions. This variant is a gross deletion of the genomic region encompassing exon(s) 10-11 of the RPGRIP1 gene. This deletion is out-of-frame, and is expected to create a premature termination codon and result in an absent or disrupted protein product. Loss-of-function variants in RPGRIP1 are known to be pathogenic (PMID: 11528500, 23105016).

Literature cited by the submitters: PubMed 11528500; PubMed 23105016.

NC_000014.8:g.(?_21785835)_(21788356_?)del

Gene: RPGRIP1 (RPGR interacting protein 1; plus strand). Cytogenetic location: 14q11.2.
Variant type: Deletion.
Identifiers: ClinVar variation 1456668 (VCV001456668.5).